The following is an entry in ClinVar:

ClinVar aggregate classification (germline): Likely benign. Review status: criteria provided, multiple submitters, no conflicts (2 of 4 stars). 2 submissions from 2 submitters: Likely benign (2). Last evaluated 2025-07-30.

Conditions:
SEMA3E-related disorder. Also called: SEMA3E-related condition.
CHARGE syndrome (CHARGE). Also called: Hittner Hirsch Kreh syndrome; CHARGE ASSOCIATION--COLOBOMA, HEART ANOMALY, CHOANAL ATRESIA, RETARDATION, GENITAL AND EAR ANOMALIES; Coloboma, heart anomaly, choanal atresia, retardation, genital and ear anomalies; CHARGE association; Hall-Hittner syndrome. Identifiers: Orphanet 138, MedGen C0265354, MONDO:0008965.

Allele frequency attached by ClinVar (database versions not stated): gnomAD exomes 0.00001; TOPMed 0.00001.
gnomAD v4.1: 18 of 1,611,254 alleles (0.0011%); highest among the groups gnomAD compares: Non-Finnish European, 0.0013%; no homozygotes.

Submissions (2):

PreventionGenetics, part of Exact Sciences
Classification: Likely benign for SEMA3E-related condition. Last evaluated: 2025-07-30. Review status: criteria provided, single submitter. Criteria: ACMG Guidelines, 2015. Collection method: clinical testing. Allele origin: germline.
Comment: This variant is classified as likely benign based on ACMG/AMP sequence variant interpretation guidelines (Richards et al. 2015 PMID: 25741868, with internal and published modifications).

Labcorp Genetics (formerly Invitae), Labcorp
Classification: Likely benign for CHARGE syndrome. Last evaluated: 2024-09-10. Review status: criteria provided, single submitter. Criteria: Invitae Variant Classification Sherloc (09022015). Collection method: clinical testing. Allele origin: germline.

NM_012431.3(SEMA3E):c.1359T>C (p.Ile453=)

Gene: SEMA3E (semaphorin 3E; minus strand). Cytogenetic location: 7q21.11.
Variant type: single nucleotide variant.
Coding change: c.1359T>C on transcript NM_012431.3 (MANE Select); coding-DNA position 1359, T replaced by C.
Protein change: p.Ile453=; no amino-acid change (isoleucine 453 retained).
Molecular consequence: synonymous variant.
Genome position (GRCh38, 1-based): chr7:83,400,035, A>G on the plus strand (T>C on the coding strand, the complement: SEMA3E is on the minus strand). VCF-style: chr7-83400035-A-G. GRCh37 (hg19) VCF-style: chr7-83029351-A-G.
Other names: c.1359T>C (NM_012431.2); c.1179T>C, p.Ile393= (NM_001178129.2).
Identifiers: ClinVar variation 2757035 (VCV002757035.4), dbSNP rs745653615, ClinGen allele CA4322058.